The following is an entry in ClinVar:

NM_007059.4(KPTN):c.985G>C (p.Ala329Pro)

Gene: KPTN (kaptin, actin binding protein; minus strand). Cytogenetic location: 19q13.32.
Variant type: single nucleotide variant.
Coding change: c.985G>C on transcript NM_007059.4 (MANE Select); coding-DNA position 985, G replaced by C.
Protein change: p.Ala329Pro; replaces alanine 329 with proline.
Molecular consequence: missense variant. On other transcripts: non-coding transcript variant (1).
Genome position (GRCh38, 1-based): chr19:47,476,817, C>G on the plus strand (G>C on the coding strand, the complement: KPTN is on the minus strand). VCF-style: chr19-47476817-C-G. GRCh37 (hg19) VCF-style: chr19-47980074-C-G.
Other names: c.817G>C, p.Ala273Pro (NM_001291296.2); c.985G>C (NM_007059.3); short protein forms A273P, A329P.
Identifiers: ClinVar variation 1708053 (VCV001708053.2), dbSNP rs756951661, ClinGen allele CA9540259.

ClinVar aggregate classification (germline): Uncertain significance. Review status: criteria provided, multiple submitters, no conflicts (2 of 4 stars). 2 submissions from 2 submitters: Uncertain significance (2). Last evaluated 2024-08-19.

Conditions:
Macrocephaly-developmental delay syndrome (MRT41). Also called: INTELLECTUAL DEVELOPMENTAL DISORDER, AUTOSOMAL RECESSIVE 41. Identifiers: Orphanet 397612, MedGen C3810225, MONDO:0014289, OMIM 615637.

Allele frequency attached by ClinVar (database versions not stated): gnomAD 0.00001; TOPMed 0.00003; gnomAD exomes 0.00005; ExAC 0.00009.
gnomAD v4.1: 74 of 1,587,246 alleles (0.0047%); highest among the groups gnomAD compares: Middle Eastern, 0.017%; no homozygotes.

Submissions (2):

GeneDx
Classification: Uncertain significance. Last evaluated: 2024-08-19. Review status: criteria provided, single submitter. Criteria: GeneDx Variant Classification Process June 2021. Collection method: clinical testing. Allele origin: germline. Affected: yes.
Comment: In silico analysis indicates that this missense variant does not alter protein structure/function; Has not been previously published as pathogenic or benign to our knowledge

Institute of Human Genetics, Clinical Exome/Genome Diagnostics Group, University Hospital Bonn
Classification: Uncertain significance for Macrocephaly-developmental delay syndrome. Last evaluated: 2022-06-08. Review status: criteria provided, single submitter. Criteria: ACMG Guidelines, 2015. Collection method: clinical testing. Allele origin: germline. Affected: yes.